The following is an entry in ClinVar:

ClinVar aggregate classification (germline): Uncertain significance. Review status: criteria provided, multiple submitters, no conflicts (2 of 4 stars). 2 submissions from 2 submitters: Uncertain significance (2). Last evaluated 2025-06-01.

Conditions:
Inborn genetic diseases. Identifiers: MedGen C0950123, MeSH D030342.

Allele frequency attached by ClinVar (database versions not stated): gnomAD exomes below 0.00001; gnomAD 0.00002; TOPMed 0.00004.
gnomAD v4.1: 5 of 1,613,850 alleles (0.00031%); highest among the groups gnomAD compares: African/African-American, 0.0053%; no homozygotes.

Submissions (2):

Labcorp Genetics (formerly Invitae), Labcorp
Classification: Uncertain significance. Last evaluated: 2025-06-01. Review status: criteria provided, single submitter. Criteria: Invitae Variant Classification Sherloc (09022015). Collection method: clinical testing. Allele origin: germline.
Comment: This sequence change replaces proline, which is neutral and non-polar, with alanine, which is neutral and non-polar, at codon 2844 of the VCAN protein (p.Pro2844Ala). This variant is present in population databases (no rsID available, gnomAD 0.01%). This missense change has been observed in individuals with autosomal dominant inherited retinal dystrophy (internal data). ClinVar contains an entry for this variant (Variation ID: 1019131). An algorithm developed to predict the effect of missense changes on protein structure and function (PolyPhen-2) suggests that this variant is likely to be tolerated. In summary, the available evidence is currently insufficient to determine the role of this variant in disease. Therefore, it has been classified as a Variant of Uncertain Significance.

Ambry Genetics
Classification: Uncertain significance for Inborn genetic diseases. Last evaluated: 2021-10-12. Review status: criteria provided, single submitter. Criteria: Ambry Variant Classification Scheme 2023. Collection method: clinical testing. Allele origin: germline.

NM_004385.5(VCAN):c.8530C>G (p.Pro2844Ala)

Genes: VCAN (versican; plus strand), VCAN-AS1 (VCAN antisense RNA 1; minus strand). Cytogenetic location: 5q14.3.
Variant type: single nucleotide variant.
Coding change: c.8530C>G on transcript NM_004385.5 (MANE Select); coding-DNA position 8530, C replaced by G.
Protein change: p.Pro2844Ala; replaces proline 2844 with alanine.
Molecular consequence: missense variant. On other transcripts: intron variant (2).
Genome position (GRCh38, 1-based): chr5:83,541,533, C>G. VCF-style: chr5-83541533-C-G. GRCh37 (hg19) VCF-style: chr5-82837352-C-G.
Other names: c.5569C>G, p.Pro1857Ala (NM_001164097.2); c.4004-4004C>G (NM_001164098.2); c.1043-4004C>G (NM_001126336.3); c.8530C>G (NM_004385.4); short protein forms P1857A, P2844A.
Identifiers: ClinVar variation 1019131 (VCV001019131.9), dbSNP rs879049343, ClinGen allele CA121776751.